The following is an entry in ClinVar:

ClinVar aggregate classification (germline): Uncertain significance (1 of 4 stars; one submission).

Conditions:
Capillary malformation-arteriovenous malformation syndrome. Also called: Capillary malformation-arteriovenous malformation. Identifiers: Orphanet 137667, MedGen C1842180, MONDO:0012016.

Allele frequency attached by ClinVar (database versions not stated): ExAC 0.00001.

Submission:

Labcorp Genetics (formerly Invitae), Labcorp
Classification: Uncertain significance for Capillary malformation-arteriovenous malformation syndrome. Last evaluated: 2024-05-22. Review status: criteria provided, single submitter. Criteria: Invitae Variant Classification Sherloc (09022015). Collection method: clinical testing. Allele origin: germline.
Comment: This sequence change replaces alanine, which is neutral and non-polar, with threonine, which is neutral and polar, at codon 84 of the RASA1 protein (p.Ala84Thr). This variant is present in population databases (rs762035553, gnomAD 0.003%). This variant has not been reported in the literature in individuals affected with RASA1-related conditions. An algorithm developed to predict the effect of missense changes on protein structure and function (PolyPhen-2) suggests that this variant is likely to be disruptive. In summary, the available evidence is currently insufficient to determine the role of this variant in disease. Therefore, it has been classified as a Variant of Uncertain Significance.

NM_002890.3(RASA1):c.250G>A (p.Ala84Thr)

Gene: RASA1 (RAS p21 protein activator 1; plus strand). Cytogenetic location: 5q14.3.
Variant type: single nucleotide variant.
Coding change: c.250G>A on transcript NM_002890.3 (MANE Select); coding-DNA position 250, G replaced by A.
Protein change: p.Ala84Thr; replaces alanine 84 with threonine.
Molecular consequence: missense variant.
Genome position (GRCh38, 1-based): chr5:87,268,701, G>A. VCF-style: chr5-87268701-G-A. GRCh37 (hg19) VCF-style: chr5-86564518-G-A.
Other names: short protein forms A84T.
Identifiers: ClinVar variation 2724799 (VCV002724799.3), dbSNP rs762035553, ClinGen allele CA3335361.